The following is an entry in ClinVar:

Conditions:
Breast-ovarian cancer, familial, susceptibility to, 1 (BROVCA1). Also called: BRCA1 Hereditary Breast and Ovarian Cancer; OVARIAN CANCER, SUSCEPTIBILITY TO. Identifiers: Orphanet 145, MedGen C2676676, MONDO:0011450, OMIM 604370. Disease mechanism: loss of function.

Submission:

Brotman Baty Institute, University of Washington
No classification provided (evidence only). Condition: Breast-ovarian cancer, familial 1. Review status: no classification provided. Collection method: in vitro. Allele origin: not applicable. Functional consequence: functionally_abnormal.
ClinVar note: "not provided" was previously submitted as the classification for the variant. However, the classification appeared to be based only on an observation of functional data so it was converted to no classification on 2025-07-30.

NM_007294.4(BRCA1):c.5170A>T (p.Lys1724Ter)

Gene: BRCA1 (BRCA1 DNA repair associated; minus strand). Cytogenetic location: 17q21.31.
Variant type: single nucleotide variant.
Coding change: c.5170A>T on transcript NM_007294.4 (MANE Select); coding-DNA position 5170, A replaced by T.
Protein change: p.Lys1724Ter; replaces lysine 1724 with a stop codon.
Molecular consequence: nonsense. On other transcripts: non-coding transcript variant (1).
Genome position (GRCh38, 1-based): chr17:43,063,356, T>A on the plus strand (A>T on the coding strand, the complement: BRCA1 is on the minus strand). VCF-style: chr17-43063356-T-A. GRCh37 (hg19) VCF-style: chr17-41215373-T-A.
Other names: c.5026A>T, p.Lys1676Ter (NM_001407737.1, NM_001407738.1, NM_001407739.1 and 21 more transcripts); c.5023A>T, p.Lys1675Ter (NM_001407838.1, NM_001407839.1, NM_001407841.1 and 12 more transcripts); c.5164A>T, p.Lys1722Ter (NM_001407861.1, NM_001407629.1, NM_001407630.1 and 14 more transcripts); c.4969A>T, p.Lys1657Ter (NM_001407862.1); c.4966A>T, p.Lys1656Ter (NM_001407863.1); c.4963A>T, p.Lys1655Ter (NM_001407874.1, NM_001407875.1); c.4960A>T, p.Lys1654Ter (NM_001407879.1, NM_001407881.1, NM_001407882.1 and 5 more transcripts); c.4957A>T, p.Lys1653Ter (NM_001407900.1, NM_001407902.1, NM_001407904.1 and 12 more transcripts); and 72 more; short protein forms K620*, K1677*, K1724*, K1745*, K1595*, K1612*, K1613*, K1634*.
Identifiers: ClinVar variation 867435 (VCV000867435.3), dbSNP rs2051863875, ClinGen allele CA10591204.
Genomic context (GRCh38, chr17:43,063,356, plus strand): 5'-GAATATCTCTGGTTAGTTTGTAACATCAAGTACTTACCTCATTCAGCATTTTTCTTTCTT[T>A]AATAGACTGGGTCACCCCTAAAGAGATCATAGAAAAGACAGGTTACATACAGCAGAAGAA-3'